The following is an entry in ClinVar:

NM_000064.4(C3):c.2901C>T (p.Leu967=)

Gene: C3 (complement C3; minus strand). Cytogenetic location: 19p13.3.
Variant type: single nucleotide variant.
Coding change: c.2901C>T on transcript NM_000064.4 (MANE Select); coding-DNA position 2901, C replaced by T.
Protein change: p.Leu967=; no amino-acid change (leucine 967 retained).
Molecular consequence: synonymous variant.
Genome position (GRCh38, 1-based): chr19:6,696,428, G>A on the plus strand (C>T on the coding strand, the complement: C3 is on the minus strand). VCF-style: chr19-6696428-G-A. GRCh37 (hg19) VCF-style: chr19-6696439-G-A.
Other names: p.Leu967=; c.2901C>T (LRG_27t1).
Identifiers: ClinVar variation 330296 (VCV000330296.50), dbSNP rs34029609, ClinGen allele CA9128918.

ClinVar aggregate classification (germline): Benign/Likely benign. Review status: criteria provided, multiple submitters, no conflicts (2 of 4 stars). 13 submissions from 11 submitters: Benign (3); Likely benign (7). 3 of the submissions do not count toward it. Last evaluated 2026-09-01.

Conditions:
Atypical hemolytic-uremic syndrome with C3 anomaly. Also called: AHUS, SUSCEPTIBILITY TO, 5. Identifiers: Orphanet 2134, MedGen C2752037, MONDO:0013043, OMIM 612925.
Complement component 3 deficiency. Identifiers: Orphanet 280133, MedGen C3151071, MONDO:0013417, OMIM 613779.
Age related macular degeneration 9. Identifiers: MedGen C1969651, MONDO:0012659, OMIM 611378.

Allele frequency attached by ClinVar (database versions not stated): gnomAD 0.00142 and 0.00152; TOPMed 0.00163; ESP Exome Variant Server 0.00192; ExAC 0.00203; 1000 Genomes Project 0.00080; 1000 Genomes Project 30x 0.00094.
gnomAD v4.1: 2,610 of 1,613,806 alleles (0.16%); highest among the groups gnomAD compares: Middle Eastern, 1.4%; 18 homozygotes.

Submissions (13):

CeGaT Center for Human Genetics Tuebingen
Classification: Likely benign. Last evaluated: 2026-09-01. Review status: criteria provided, single submitter. Criteria: CeGaT Center For Human Genetics Tuebingen Variant Classification Criteria Version 2. Collection method: clinical testing. Allele origin: germline. Affected: yes. Observed: 5 variant alleles.
Comment: C3: BP4, BP7

Labcorp Genetics (formerly Invitae), Labcorp
Classification: Benign. Last evaluated: 2026-02-01. Review status: criteria provided, single submitter. Criteria: Invitae Variant Classification Sherloc (09022015). Collection method: clinical testing. Allele origin: germline.

Mayo Clinic Laboratories, Mayo Clinic
Classification: Likely benign. Last evaluated: 2025-12-12. Review status: criteria provided, single submitter. Criteria: ACMG Guidelines, 2015. Collection method: clinical testing. Allele origin: germline. Observed: 15 variant alleles.
Comment: BS1, BP4, BP7

Blueprint Genetics
Classification: Likely benign. Last evaluated: 2024-11-27. Review status: criteria provided, single submitter. Criteria: ACMG Guidelines, 2015. Collection method: clinical testing. Allele origin: germline.

Fulgent Genetics
Classification: Likely benign for Age related macular degeneration 9; Atypical hemolytic-uremic syndrome with C3 anomaly; Complement component 3 deficiency. Last evaluated: 2021-09-29. Review status: criteria provided, single submitter. Criteria: ACMG Guidelines, 2015. Collection method: clinical testing. Allele origin: unknown.

Genetic Services Laboratory, University of Chicago
Classification: Benign. Last evaluated: 2020-01-14. Review status: criteria provided, single submitter. Criteria: ACMG Guidelines, 2015. Collection method: clinical testing. Allele origin: germline. Affected: no.

Illumina Laboratory Services, Illumina
Classification: Benign for Atypical hemolytic-uremic syndrome with C3 anomaly. Last evaluated: 2018-01-13. Review status: criteria provided, single submitter. Criteria: ICSL Variant Classification Criteria 13 December 2019. Collection method: clinical testing. Allele origin: germline.
Comment: This variant was observed in the ICSL laboratory as part of a predisposition screen in an ostensibly healthy population. It had not been previously curated by ICSL or reported in the Human Gene Mutation Database (HGMD: prior to June 1st, 2018), and was therefore a candidate for classification through an automated scoring system. Utilizing variant allele frequency, disease prevalence and penetrance estimates, and inheritance mode, an automated score was calculated to assess if this variant is too frequent to cause the disease. Based on the score and internal cut-off values, a variant classified as benign is not then subjected to further curation. The score for this variant resulted in a classification of benign for this disease.

Illumina Laboratory Services, Illumina
Classification: Likely benign for Complement component 3 deficiency. Last evaluated: 2018-01-13. Review status: criteria provided, single submitter. Criteria: ICSL Variant Classification Criteria 13 December 2019. Collection method: clinical testing. Allele origin: germline.
Comment: This variant was observed in the ICSL laboratory as part of a predisposition screen in an ostensibly healthy population. It had not been previously curated by ICSL or reported in the Human Gene Mutation Database (HGMD: prior to June 1st, 2018), and was therefore a candidate for classification through an automated scoring system. Utilizing variant allele frequency, disease prevalence and penetrance estimates, and inheritance mode, an automated score was calculated to assess if this variant is too frequent to cause the disease. Based on the score and internal cut-off values, a variant classified as likely benign is not then subjected to further curation. The score for this variant resulted in a classification of likely benign for this disease.

Illumina Laboratory Services, Illumina
Classification: Likely benign for Age related macular degeneration 9. Last evaluated: 2018-01-13. Review status: criteria provided, single submitter. Criteria: ICSL Variant Classification Criteria 13 December 2019. Collection method: clinical testing. Allele origin: germline.
Comment: the same text as in the submission from Illumina Laboratory Services, Illumina above.

Breakthrough Genomics
Classification: Likely benign. Review status: criteria provided, single submitter. Criteria: ACMG Guidelines, 2015. Collection method: not provided. Allele origin: germline. Inheritance: Autosomal recessive inheritance. Affected: yes.

Clinical Genetics DNA and cytogenetics Diagnostics Lab, Erasmus MC, Erasmus Medical Center
Classification: Likely benign. Review status: no assertion criteria provided. Collection method: clinical testing. Allele origin: germline. Affected: yes. Study: VKGL Data-share Consensus. Not counted in ClinVar's aggregate classification.

Genome Diagnostics Laboratory, University Medical Center Utrecht
Classification: Likely benign. Review status: no assertion criteria provided. Collection method: clinical testing. Allele origin: germline. Affected: yes. Study: VKGL Data-share Consensus. Not counted in ClinVar's aggregate classification.

Joint Genome Diagnostic Labs from Nijmegen and Maastricht, Radboudumc and MUMC+
Classification: Likely benign. Review status: no assertion criteria provided. Collection method: clinical testing. Allele origin: germline. Affected: yes. Study: VKGL Data-share Consensus. Not counted in ClinVar's aggregate classification.